The following is an entry in ClinVar:

NM_001184880.2(PCDH19):c.3384T>G (p.Ile1128Met)

Gene: PCDH19 (protocadherin 19; minus strand). Cytogenetic location: Xq22.1.
Variant type: single nucleotide variant.
Coding change: c.3384T>G on transcript NM_001184880.2 (MANE Select); coding-DNA position 3384, T replaced by G.
Protein change: p.Ile1128Met; replaces isoleucine 1128 with methionine.
Molecular consequence: missense variant.
Genome position (GRCh38, 1-based): chrX:100,296,340, A>C on the plus strand (T>G on the coding strand, the complement: PCDH19 is on the minus strand). VCF-style: chrX-100296340-A-C. GRCh37 (hg19) VCF-style: chrX-99551338-A-C.
Other names: c.3243T>G, p.Ile1081Met (NM_001105243.2); c.3240T>G, p.Ile1080Met (NM_020766.3); short protein forms I1080M, I1081M, I1128M.
Identifiers: ClinVar variation 1025541 (VCV001025541.11), dbSNP rs1924600376, ClinGen allele CA413999434.
Genomic context (GRCh38, chrX:100,296,340, plus strand): 5'-GAGAACGATATCCTTCAGACGCTTCACACCAGGGGACTCTTTGTTGCGACCTTCCTTCAG[A>C]ATGGGGCTGACCTCATGCATGACTTTCTCGCTATCAGCTCCACGGGGCTCAGCTTCAGAG-3'
Protein context (NP_001171809.1, residues 1118-1138): SEKVMHEVSP[Ile1128Met]LKEGRNKESP

ClinVar aggregate classification (germline): Uncertain significance (1 of 4 stars; one submission).

Conditions:
Developmental and epileptic encephalopathy, 9 (DEE9). Also called: Early infantile epileptic encephalopathy 9; PCDH19-Related X-Linked Female-Limited Epilepsy with Mental Retardation; EPILEPSY, FEMALE-RESTRICTED, WITH MENTAL RETARDATION; JUBERG-HELLMAN SYNDROME. Identifiers: Orphanet 101039, Orphanet 2076, MedGen C1848137, MONDO:0010246, OMIM 300088. Disease mechanism: loss of function.

Submission:

Labcorp Genetics (formerly Invitae), Labcorp
Classification: Uncertain significance for Developmental and epileptic encephalopathy, 9. Last evaluated: 2020-01-31. Review status: criteria provided, single submitter. Criteria: Invitae Variant Classification Sherloc (09022015). Collection method: clinical testing. Allele origin: germline.
Comment: This sequence change replaces isoleucine with methionine at codon 1128 of the PCDH19 protein (p.Ile1128Met). The isoleucine residue is moderately conserved and there is a small physicochemical difference between isoleucine and methionine. This variant is not present in population databases (ExAC no frequency). This variant has not been reported in the literature in individuals with PCDH19-related conditions. Algorithms developed to predict the effect of missense changes on protein structure and function are either unavailable or do not agree on the potential impact of this missense change (SIFT: "Tolerated"; PolyPhen-2: "Benign"; Align-GVGD: "Class C0"). In summary, the available evidence is currently insufficient to determine the role of this variant in disease. Therefore, it has been classified as a Variant of Uncertain Significance.